The following is an entry in ClinVar:

ClinVar aggregate classification (germline): Uncertain significance (1 of 4 stars; one submission).

Conditions:
Nephronophthisis. Also called: Juvenile Nephronophthisis. Identifiers: Orphanet 655, MedGen C0687120, MONDO:0019005, HP:0000090.

Submission:

Labcorp Genetics (formerly Invitae), Labcorp
Classification: Uncertain significance for Nephronophthisis. Last evaluated: 2022-01-18. Review status: criteria provided, single submitter. Criteria: Invitae Variant Classification Sherloc (09022015). Collection method: clinical testing. Allele origin: germline.
Comment: This sequence change replaces aspartic acid, which is acidic and polar, with glycine, which is neutral and non-polar, at codon 65 of the INVS protein (p.Asp65Gly). This variant is not present in population databases (gnomAD no frequency). In summary, the available evidence is currently insufficient to determine the role of this variant in disease. Therefore, it has been classified as a Variant of Uncertain Significance. Algorithms developed to predict the effect of sequence changes on RNA splicing suggest that this variant may create or strengthen a splice site. Algorithms developed to predict the effect of missense changes on protein structure and function are either unavailable or do not agree on the potential impact of this missense change (SIFT: "Deleterious"; PolyPhen-2: "Benign"; Align-GVGD: "Class C0"). This variant has not been reported in the literature in individuals affected with INVS-related conditions.

NM_014425.5(INVS):c.194A>G (p.Asp65Gly)

Gene: INVS (inversin; plus strand). Cytogenetic location: 9q31.1.
Variant type: single nucleotide variant.
Coding change: c.194A>G on transcript NM_014425.5 (MANE Select); coding-DNA position 194, A replaced by G.
Protein change: p.Asp65Gly; replaces aspartic acid 65 with glycine.
Molecular consequence: missense variant. On other transcripts: 5 prime UTR variant (2), non-coding transcript variant (1).
Genome position (GRCh38, 1-based): chr9:100,126,470, A>G. VCF-style: chr9-100126470-A-G. GRCh37 (hg19) VCF-style: chr9-102888752-A-G.
Other names: c.-183A>G (NM_001318381.2); c.-796A>G (NM_001318382.2); short protein forms D65G.
Identifiers: ClinVar variation 2087776 (VCV002087776.4), dbSNP rs1346793183, ClinGen allele CA374360914.